The following is an entry in ClinVar:

NM_000085.5(CLCNKB):c.1877G>A (p.Cys626Tyr)

Genes: CLCNKB (chloride voltage-gated channel Kb; plus strand), LOC106501713 (CLCNKB recombination region; plus strand). Cytogenetic location: 1p36.13.
Variant type: single nucleotide variant.
Coding change: c.1877G>A on transcript NM_000085.5 (MANE Select); coding-DNA position 1877, G replaced by A.
Protein change: p.Cys626Tyr; replaces cysteine 626 with tyrosine.
Molecular consequence: missense variant.
Genome position (GRCh38, 1-based): chr1:16,055,706, G>A. VCF-style: chr1-16055706-G-A. GRCh37 (hg19) VCF-style: chr1-16382201-G-A.
Other names: c.1367G>A, p.Cys456Tyr (NM_001165945.2); short protein forms C626Y, C456Y.
Identifiers: ClinVar variation 402541 (VCV000402541.20), dbSNP rs143663847, ClinGen allele CA624069.

ClinVar aggregate classification (germline): Benign/Likely benign. Review status: criteria provided, multiple submitters, no conflicts (2 of 4 stars). 9 submissions from 9 submitters: Benign (6); Likely benign (3). Last evaluated 2026-02-03.

Conditions:
Mitochondrial DNA depletion syndrome 12A (cardiomyopathic type), autosomal dominant. Also called: Mitochondrial DNA depletion syndrome 12A (cardiomyopathic type) AD. Identifiers: MedGen C4310676, MONDO:0014959, OMIM 617184.

Allele frequency attached by ClinVar (database versions not stated): ESP Exome Variant Server 0.00984; gnomAD 0.01456 and 0.01495; 1000 Genomes Project 0.01677; 1000 Genomes Project 30x 0.01702; TOPMed 0.02175.
gnomAD v4.1: 23,295 of 1,613,758 alleles (1.4%); highest among the groups gnomAD compares: Admixed American, 11%; 552 homozygotes.

Submissions (9):

Labcorp Genetics (formerly Invitae), Labcorp
Classification: Benign. Last evaluated: 2026-02-03. Review status: criteria provided, single submitter. Criteria: Invitae Variant Classification Sherloc (09022015). Collection method: clinical testing. Allele origin: germline.

Blueprint Genetics
Classification: Benign. Last evaluated: 2024-11-25. Review status: criteria provided, single submitter. Criteria: ACMG Guidelines, 2015. Collection method: clinical testing. Allele origin: germline.

Mayo Clinic Laboratories, Mayo Clinic
Classification: Benign. Last evaluated: 2023-01-09. Review status: criteria provided, single submitter. Criteria: ACMG Guidelines, 2015. Collection method: clinical testing. Allele origin: germline. Observed: 17 variant alleles.
Comment: BA1

Women's Health and Genetics/Laboratory Corporation of America, LabCorp
Classification: Likely benign. Last evaluated: 2021-12-17. Review status: criteria provided, single submitter. Criteria: LabCorp Variant Classification Summary - May 2015. Collection method: clinical testing. Allele origin: germline.

GeneDx
Classification: Benign. Last evaluated: 2020-01-22. Review status: criteria provided, single submitter. Criteria: GeneDx Variant Classification Process June 2021. Collection method: clinical testing. Allele origin: germline. Affected: yes.
Comment: This variant is associated with the following publications: (PMID: 28381550, 27535533, 21415153)

Athena Diagnostics
Classification: Benign. Last evaluated: 2018-03-27. Review status: criteria provided, single submitter. Criteria: Athena Diagnostics Criteria. Collection method: clinical testing. Allele origin: germline.

Laboratory for Molecular Medicine, Mass General Brigham Personalized Medicine
Classification: Likely benign. Last evaluated: 2016-03-28. Review status: criteria provided, single submitter. Criteria: LMM Criteria. Collection method: clinical testing. Allele origin: germline.
Comment: Variant identified in a genome or exome case(s) and assessed due to predicted null impact of the variant or pathogenic assertions in the literature or databases. Disclaimer: This variant has not undergone full assessment. The following are preliminary notes: Frequency in 1000Genomes: 35/2178=1.6%

Breakthrough Genomics
Classification: Likely benign. Review status: criteria provided, single submitter. Criteria: ACMG Guidelines, 2015. Collection method: not provided. Allele origin: germline. Inheritance: Autosomal recessive inheritance. Affected: yes.

Broad Center for Mendelian Genomics, Broad Institute of MIT and Harvard
Classification: Benign for Mitochondrial DNA depletion syndrome 12A (cardiomyopathic type), autosomal dominant. Review status: criteria provided, single submitter. Criteria: ACMG Guidelines, 2015. Collection method: research. Allele origin: germline. Inheritance: Autosomal recessive inheritance. Affected: yes.
Comment: The p.Cys626Tyr variant in CLCNKB has been identified in an individual from a patient cohort with suspected Gitelman Syndrome (PMID: 21415153). However, this variant is classified as benign for Bartter syndrome because it has been identified in >5% of Latino chromosomes by ExAC.

Literature cited by the submitters: PubMed 21415153 (cited by Mayo Clinic Laboratories, Mayo Clinic and Athena Diagnostics); PubMed 28381550 (cited by Mayo Clinic Laboratories, Mayo Clinic).